The following is an entry in ClinVar:

ClinVar aggregate classification (germline): Uncertain significance. Review status: criteria provided, multiple submitters, no conflicts (2 of 4 stars). 2 submissions from 2 submitters: Uncertain significance (2). Last evaluated 2025-02-10.

Allele frequency attached by ClinVar (database versions not stated): ExAC 0.00007; gnomAD exomes 0.00008 and 0.00024; TOPMed 0.00014.
gnomAD v4.1: 379 of 1,614,050 alleles (0.023%); highest among the groups gnomAD compares: Non-Finnish European, 0.03%; 2 homozygotes.

Submissions (2):

Labcorp Genetics (formerly Invitae), Labcorp
Classification: Uncertain significance. Last evaluated: 2025-02-10. Review status: criteria provided, single submitter. Criteria: Invitae Variant Classification Sherloc (09022015). Collection method: clinical testing. Allele origin: germline.
Comment: This sequence change replaces glycine, which is neutral and non-polar, with aspartic acid, which is acidic and polar, at codon 716 of the FBN3 protein (p.Gly716Asp). This variant is present in population databases (rs140910868, gnomAD 0.02%). This variant has not been reported in the literature in individuals affected with FBN3-related conditions. ClinVar contains an entry for this variant (Variation ID: 1418488). An algorithm developed to predict the effect of missense changes on protein structure and function outputs the following: PolyPhen-2: "Benign". The aspartic acid amino acid residue is found in multiple mammalian species, which suggests that this missense change does not adversely affect protein function. In summary, the available evidence is currently insufficient to determine the role of this variant in disease. Therefore, it has been classified as a Variant of Uncertain Significance.

Ambry Genetics
Classification: Uncertain significance. Last evaluated: 2024-12-04. Review status: criteria provided, single submitter. Criteria: Ambry Variant Classification Scheme 2023. Collection method: clinical testing. Allele origin: germline.

NM_032447.5(FBN3):c.2147G>A (p.Gly716Asp)

Gene: FBN3 (fibrillin 3; minus strand). Cytogenetic location: 19p13.2.
Variant type: single nucleotide variant.
Coding change: c.2147G>A on transcript NM_032447.5 (MANE Select); coding-DNA position 2147, G replaced by A.
Protein change: p.Gly716Asp; replaces glycine 716 with aspartic acid.
Molecular consequence: missense variant.
Genome position (GRCh38, 1-based): chr19:8,129,263, C>T on the plus strand (G>A on the coding strand, the complement: FBN3 is on the minus strand). VCF-style: chr19-8129263-C-T. GRCh37 (hg19) VCF-style: chr19-8194147-C-T.
Other names: c.2147G>A (NM_032447.3); c.2147G>A, p.Gly716Asp (NM_001321431.2); short protein forms G716D.
Identifiers: ClinVar variation 1418488 (VCV001418488.10), dbSNP rs140910868, ClinGen allele CA9153012.